The following is an entry in ClinVar:

ClinVar aggregate classification (germline): Uncertain significance. Review status: criteria provided, multiple submitters, no conflicts (2 of 4 stars). 3 submissions from 3 submitters: Uncertain significance (3). Last evaluated 2026-01-01.

Conditions:
Familial adenomatous polyposis 1 (FAP1). Also called: FAMILIAL ADENOMATOUS POLYPOSIS 1, ATTENUATED; POLYPOSIS, ADENOMATOUS INTESTINAL. Identifiers: MedGen C2713442, MONDO:0021056, OMIM 175100. Disease mechanism: loss of function.
Hereditary cancer-predisposing syndrome. Also called: Neoplastic Syndromes, Hereditary; Tumor predisposition; Hereditary Cancer Syndrome; Hereditary neoplastic syndrome. Identifiers: Orphanet 140162, MedGen C0027672, MeSH D009386, MONDO:0015356.

Submissions (3):

Labcorp Genetics (formerly Invitae), Labcorp
Classification: Uncertain significance for Familial adenomatous polyposis 1. Last evaluated: 2026-01-01. Review status: criteria provided, single submitter. Criteria: Invitae Variant Classification Sherloc (09022015). Collection method: clinical testing. Allele origin: germline.
Comment: This sequence change replaces proline, which is neutral and non-polar, with serine, which is neutral and polar, at codon 2147 of the APC protein (p.Pro2147Ser). This variant is not present in population databases (gnomAD no frequency). This variant has not been reported in the literature in individuals affected with APC-related conditions. ClinVar contains an entry for this variant (Variation ID: 926203). Invitae Evidence Modeling of protein sequence and biophysical properties (such as structural, functional, and spatial information, amino acid conservation, physicochemical variation, residue mobility, and thermodynamic stability) indicates that this missense variant is not expected to disrupt APC protein function with a negative predictive value of 95%. In summary, the available evidence is currently insufficient to determine the role of this variant in disease. Therefore, it has been classified as a Variant of Uncertain Significance.

Ambry Genetics
Classification: Uncertain significance for Hereditary cancer-predisposing syndrome. Last evaluated: 2024-12-11. Review status: criteria provided, single submitter. Criteria: Ambry Variant Classification Scheme 2023. Collection method: clinical testing. Allele origin: germline.
Comment: The p.P2147S variant (also known as c.6439C>T), located in coding exon 15 of the APC gene, results from a C to T substitution at nucleotide position 6439. The proline at codon 2147 is replaced by serine, an amino acid with similar properties. This amino acid position is highly conserved in available vertebrate species. In addition, in silico predictors for this gene do not accurately predict pathogenicity. Missense alterations in APC are not a common cause of disease (Spier I et al. Genet Med. 2024 Feb;26(2):100992). Based on the available evidence, the clinical significance of this variant remains unclear.

Color Diagnostics, LLC DBA Color Health
Classification: Uncertain significance for Hereditary cancer-predisposing syndrome. Last evaluated: 2023-12-05. Review status: criteria provided, single submitter. Criteria: ACMG Guidelines, 2015. Collection method: clinical testing. Allele origin: germline.
Comment: This missense variant replaces proline with serine at codon 2147 of the APC protein. Computational prediction suggests that this variant may not impact protein structure and function (internally defined REVEL score threshold <= 0.5, PMID: 27666373). To our knowledge, functional studies have not been reported for this variant. This variant has not been reported in individuals affected with APC-related disorders in the literature. This variant has not been identified in the general population by the Genome Aggregation Database (gnomAD). The available evidence is insufficient to determine the role of this variant in disease conclusively. Therefore, this variant is classified as a Variant of Uncertain Significance.

NM_000038.6(APC):c.6439C>T (p.Pro2147Ser)

Gene: APC (APC regulator of Wnt signaling pathway; plus strand). Cytogenetic location: 5q22.2.
Variant type: single nucleotide variant.
Coding change: c.6439C>T on transcript NM_000038.6 (MANE Select); coding-DNA position 6439, C replaced by T.
Protein change: p.Pro2147Ser; replaces proline 2147 with serine.
Molecular consequence: missense variant.
Genome position (GRCh38, 1-based): chr5:112,842,033, C>T. VCF-style: chr5-112842033-C-T. GRCh37 (hg19) VCF-style: chr5-112177730-C-T.
Other names: c.6439C>T, p.Pro2147Ser (NM_001127510.3, NM_001354895.2); c.6385C>T, p.Pro2129Ser (NM_001127511.3); c.6493C>T, p.Pro2165Ser (NM_001354896.2); c.6469C>T, p.Pro2157Ser (NM_001354897.2); c.6364C>T, p.Pro2122Ser (NM_001354898.2); c.6355C>T, p.Pro2119Ser (NM_001354899.2); c.6316C>T, p.Pro2106Ser (NM_001354900.2); c.6262C>T, p.Pro2088Ser (NM_001354901.2); and 5 more; short protein forms P1864S, P2088S, P2129S, P2157S, P1987S, P2021S, P2119S, P2147S.
Identifiers: ClinVar variation 926203 (VCV000926203.6), dbSNP rs1766211971, ClinGen allele CA16035421.